The following is an entry in ClinVar:

NM_000368.5(TSC1):c.2976-18T>C

Gene: TSC1 (TSC complex subunit 1; minus strand). Cytogenetic location: 9q34.13.
Variant type: single nucleotide variant.
Coding change: c.2976-18T>C on transcript NM_000368.5 (MANE Select); 18 bases into the intron before coding-DNA position 2976, T replaced by C.
Molecular consequence: intron variant.
Genome position (GRCh38, 1-based): chr9:132,896,772, A>G on the plus strand (T>C on the coding strand, the complement: TSC1 is on the minus strand). VCF-style: chr9-132896772-A-G. GRCh37 (hg19) VCF-style: chr9-135772159-A-G.
Other names: c.2613-18T>C (NM_001362177.2); c.2823-18T>C (NM_001162427.2); c.2973-18T>C (NM_001162426.2).
Identifiers: ClinVar variation 64821 (VCV000064821.10), dbSNP rs397514866, ClinGen allele CA007111.

ClinVar aggregate classification (germline): Likely benign. Review status: criteria provided, multiple submitters, no conflicts (2 of 4 stars). 3 submissions from 3 submitters: Likely benign (2). 1 of the submissions does not count toward it. Last evaluated 2025-12-03.

Conditions:
Tuberous sclerosis syndrome (TSC). Also called: Tuberous Sclerosis Complex; Tuberous sclerosis. Identifiers: Orphanet 805, MedGen C0041341, MONDO:0001734.
Tuberous sclerosis 1 (TSC1). Identifiers: Orphanet 805, MedGen C1854465, MONDO:0008612, OMIM 191100.

Allele frequency attached by ClinVar (database versions not stated): gnomAD exomes below 0.00001; gnomAD 0.00001; TOPMed 0.00001.
gnomAD v4.1: 4 of 1,613,480 alleles (0.00025%); highest among the groups gnomAD compares: Non-Finnish European, 0.00034%; no homozygotes.

Submissions (3):

Labcorp Genetics (formerly Invitae), Labcorp
Classification: Likely benign for Tuberous sclerosis 1. Last evaluated: 2025-12-03. Review status: criteria provided, single submitter. Criteria: Invitae Variant Classification Sherloc (09022015). Collection method: clinical testing. Allele origin: germline.

Myriad Genetics, Inc.
Classification: Likely benign for Tuberous sclerosis 1. Last evaluated: 2025-04-29. Review status: criteria provided, single submitter. Criteria: Myriad Autosomal Dominant, Autosomal Recessive and X-Linked Classification Criteria (2023). Collection method: clinical testing. Allele origin: unknown.
Comment: This variant is considered likely benign. This variant is intronic and is not expected to impact mRNA splicing.

Tuberous sclerosis database (TSC1)
No classification provided. Condition: TSC. Review status: no classification provided. Criteria: Tuberous Sclerosis Database Assertion Criteria 2015. Collection method: curation. Allele origin: germline. Affected: yes. Not counted in ClinVar's aggregate classification.